The following is an entry in ClinVar:

NM_017654.4(SAMD9):c.1744A>G (p.Ile582Val)

Gene: SAMD9 (sterile alpha motif domain containing 9; minus strand). Cytogenetic location: 7q21.2.
Variant type: single nucleotide variant.
Coding change: c.1744A>G on transcript NM_017654.4 (MANE Select); coding-DNA position 1744, A replaced by G.
Protein change: p.Ile582Val; replaces isoleucine 582 with valine.
Molecular consequence: missense variant.
Genome position (GRCh38, 1-based): chr7:93,104,354, T>C on the plus strand (A>G on the coding strand, the complement: SAMD9 is on the minus strand). VCF-style: chr7-93104354-T-C. GRCh37 (hg19) VCF-style: chr7-92733667-T-C.
Other names: c.1744A>G, p.Ile582Val (NM_001193307.2); short protein forms I582V.
Identifiers: ClinVar variation 4629826 (VCV004629826.1).

ClinVar aggregate classification (germline): Uncertain significance (1 of 4 stars; one submission).

Conditions:
Inborn genetic diseases. Identifiers: MedGen C0950123, MeSH D030342.

gnomAD v4.1: 1 of 1,613,902 alleles (0.000062%); highest among the groups gnomAD compares: Non-Finnish European, 0.000085%; no homozygotes.

Submission:

Ambry Genetics
Classification: Uncertain significance for Inborn genetic diseases. Last evaluated: 2025-09-26. Review status: criteria provided, single submitter. Criteria: Ambry Variant Classification Scheme 2023. Collection method: clinical testing. Allele origin: germline.
Comment: The p.I582V variant (also known as c.1744A>G), located in coding exon 1 of the SAMD9 gene, results from an A to G substitution at nucleotide position 1744. The isoleucine at codon 582 is replaced by valine, an amino acid with highly similar properties. This amino acid position is conserved. In addition, this alteration is predicted to be tolerated by in silico analysis. Based on the available evidence, the clinical significance of this variant remains unclear.